The following is an entry in ClinVar:

ClinVar aggregate classification (germline): Uncertain significance. Review status: criteria provided, multiple submitters, no conflicts (2 of 4 stars). 2 submissions from 2 submitters: Uncertain significance (2). Last evaluated 2023-03-09.

Conditions:
Loeys-Dietz syndrome (LDS). Identifiers: Orphanet 60030, MedGen C2697932, MONDO:0018954.
Familial thoracic aortic aneurysm and aortic dissection (TAAD). Also called: Thoracic aortic aneurysms and dissections. Identifiers: Orphanet 91387, MedGen C4707243, MONDO:0019625.

Allele frequency attached by ClinVar (database versions not stated): gnomAD exomes below 0.00001.
gnomAD v4.1: 2 of 1,614,070 alleles (0.00012%); highest among the groups gnomAD compares: Non-Finnish European, 0.00017%; no homozygotes.

Submissions (2):

All of Us Research Program, National Institutes of Health
Classification: Uncertain significance for Loeys-Dietz syndrome. Last evaluated: 2023-03-09. Review status: criteria provided, single submitter. Criteria: ACMG Guidelines, 2015. Collection method: clinical testing. Allele origin: germline. Inheritance: Autosomal dominant inheritance. Observed: 1 variant allele, 1 heterozygote.
Comment: This missense variant replaces alanine with serine at codon 314 of the TGFBR1 protein. Computational prediction suggests that this variant may not impact protein structure and function (internally defined REVEL score threshold <= 0.5, PMID: 27666373). To our knowledge, functional studies have not been reported for this variant. This variant has not been reported in individuals affected with TGFBR1-related disorders in the literature. This variant has been identified in 1/251094 chromosomes in the general population by the Genome Aggregation Database (gnomAD). The available evidence is insufficient to determine the role of this variant in disease conclusively. Therefore, this variant is classified as a Variant of Uncertain Significance.

This study involves interpretation of variants in research participants for the purpose of population health screening. Participant phenotype was not available at the time of variant classification. Additional details can be found in publication PMID: 35346344, PMCID: PMC8962531

Labcorp Genetics (formerly Invitae), Labcorp
Classification: Uncertain significance for Familial thoracic aortic aneurysm and aortic dissection. Last evaluated: 2021-07-07. Review status: criteria provided, single submitter. Criteria: Invitae Variant Classification Sherloc (09022015). Collection method: clinical testing. Allele origin: germline.
Comment: This sequence change replaces alanine with serine at codon 314 of the TGFBR1 protein (p.Ala314Ser). The alanine residue is highly conserved and there is a moderate physicochemical difference between alanine and serine. This variant is not present in population databases (ExAC no frequency). This variant has not been reported in the literature in individuals with TGFBR1-related disease. Algorithms developed to predict the effect of missense changes on protein structure and function (SIFT, PolyPhen-2, Align-GVGD) all suggest that this variant is likely to be disruptive, but these predictions have not been confirmed by published functional studies and their clinical significance is uncertain. In summary, the available evidence is currently insufficient to determine the role of this variant in disease. Therefore, it has been classified as a Variant of Uncertain Significance.

NM_004612.4(TGFBR1):c.940G>T (p.Ala314Ser)

Gene: TGFBR1 (transforming growth factor beta receptor 1; plus strand). Cytogenetic location: 9q22.33.
Variant type: single nucleotide variant.
Coding change: c.940G>T on transcript NM_004612.4 (MANE Select); coding-DNA position 940, G replaced by T.
Protein change: p.Ala314Ser; replaces alanine 314 with serine.
Molecular consequence: missense variant.
Genome position (GRCh38, 1-based): chr9:99,142,670, G>T. VCF-style: chr9-99142670-G-T. GRCh37 (hg19) VCF-style: chr9-101904952-G-T.
Other names: c.709G>T, p.Ala237Ser (NM_001130916.3); c.952G>T, p.Ala318Ser (NM_001306210.2); short protein forms A237S, A314S, A318S.
Identifiers: ClinVar variation 1512894 (VCV001512894.9), dbSNP rs1209722877, ClinGen allele CA374230772.
Genomic context (GRCh38, chr9:99,142,670, plus strand): 5'-AGATACACAGTTACTGTGGAAGGAATGATAAAACTTGCTCTGTCCACGGCGAGCGGTCTT[G>T]CCCATCTTCACATGGAGATTGTTGGTACCCAAGGTAATTCTATAAGCAGTTCTATTATTT-3'
Protein context (NP_004603.1, residues 304-324): KLALSTASGL[Ala314Ser]HLHMEIVGTQ